The following is an entry in ClinVar:

ClinVar aggregate classification (germline): Uncertain significance (1 of 4 stars; one submission).

Conditions:
TTN-related disorder. Also called: TTN-related condition; TTN-related disease; TTN-related disorders.

gnomAD v4.1: 13 of 1,611,428 alleles (0.00081%); highest among the groups gnomAD compares: African/African-American, 0.016%; no homozygotes.

Submission:

PreventionGenetics, part of Exact Sciences
Classification: Uncertain significance for TTN-related condition. Last evaluated: 2026-06-30. Review status: criteria provided, single submitter. Criteria: ACMG Guidelines, 2015. Collection method: clinical testing. Allele origin: germline.
Comment: The TTN c.20614G>A variant is predicted to result in the amino acid substitution p.Glu6872Lys. To our knowledge, this variant has not been reported in the literature. This variant is reported in 0.021% of alleles in individuals of African descent in gnomAD. At this time, the clinical significance of this variant is uncertain due to the absence of conclusive functional and genetic evidence.

NM_001267550.2(TTN):c.20614G>A (p.Glu6872Lys)

Gene: TTN (titin; minus strand). Cytogenetic location: 2q31.2.
Variant type: single nucleotide variant.
Coding change: c.20614G>A on transcript NM_001267550.2 (MANE Select); coding-DNA position 20614, G replaced by A.
Protein change: p.Glu6872Lys; replaces glutamic acid 6872 with lysine.
Molecular consequence: missense variant. On other transcripts: intron variant (3).
Genome position (GRCh38, 1-based): chr2:178,725,590, C>T on the plus strand (G>A on the coding strand, the complement: TTN is on the minus strand). VCF-style: chr2-178725590-C-T. GRCh37 (hg19) VCF-style: chr2-179590317-C-T.
Other names: c.19663G>A, p.Glu6555Lys (NM_001256850.1); c.16882G>A, p.Glu5628Lys (NM_133378.4); c.13282+12492G>A (NM_003319.4); c.13858+12492G>A (NM_133437.4); c.13657+12492G>A (NM_133432.3); short protein forms E5628K, E6872K, E6555K.
Identifiers: ClinVar variation 4979987 (VCV004979987.1).